The following is an entry in ClinVar:

ClinVar aggregate classification (germline): Pathogenic. Review status: criteria provided, single submitter (1 of 4 stars). 2 submissions from 2 submitters: Pathogenic (1). 1 of the submissions does not count toward it. Last evaluated 2021-07-29.

Conditions:
Neurodevelopmental disorder with hearing loss and spasticity. Identifiers: Orphanet 659975, MedGen C5562024, MONDO:0859206, OMIM 619616.

Allele frequency attached by ClinVar (database versions not stated): gnomAD exomes below 0.00001; ExAC 0.00001; gnomAD 0.00001; TOPMed 0.00001.
gnomAD v4.1: 6 of 1,613,314 alleles (0.00037%); highest among the groups gnomAD compares: African/African-American, 0.0013%; no homozygotes.

Submissions (2):

GeneDx
Classification: Pathogenic. Last evaluated: 2021-07-29. Review status: criteria provided, single submitter. Criteria: GeneDx Variant Classification Process June 2021. Collection method: clinical testing. Allele origin: germline. Affected: yes.

OMIM
Classification: Pathogenic for NEURODEVELOPMENTAL DISORDER WITH HEARING LOSS AND SPASTICITY. Last evaluated: 2023-04-19. Review status: no assertion criteria provided. Collection method: literature only. Allele origin: germline. Not counted in ClinVar's aggregate classification.

Literature cited by the submitters: PubMed 34626583 (cited by OMIM).

NM_024063.3(AFG2B):c.1826C>G (p.Ser609Ter)

Gene: AFG2B (AFG2 AAA ATPase homolog B; plus strand). Cytogenetic location: 15q21.1.
Variant type: single nucleotide variant.
Coding change: c.1826C>G on transcript NM_024063.3 (MANE Select); coding-DNA position 1826, C replaced by G.
Protein change: p.Ser609Ter; replaces serine 609 with a stop codon.
Molecular consequence: nonsense. On other transcripts: non-coding transcript variant (5).
Genome position (GRCh38, 1-based): chr15:45,415,768, C>G. VCF-style: chr15-45415768-C-G. GRCh37 (hg19) VCF-style: chr15-45707966-C-G.
Other names: c.1826C>G, p.Ser609Ter (NM_001323640.2); short protein forms S609*.
Identifiers: ClinVar variation 1275866 (VCV001275866.20), dbSNP rs778481503, ClinGen allele CA7543519.